The following is an entry in ClinVar:

NM_003849.4(SUCLG1):c.673+236C>T

Gene: SUCLG1 (succinate-CoA ligase GDP/ADP-forming subunit alpha; minus strand). Cytogenetic location: 2p11.2.
Variant type: single nucleotide variant.
Coding change: c.673+236C>T on transcript NM_003849.4 (MANE Select); 236 bases into the intron after coding-DNA position 673, C replaced by T.
Molecular consequence: intron variant.
Genome position (GRCh38, 1-based): chr2:84,433,116, G>A on the plus strand (C>T on the coding strand, the complement: SUCLG1 is on the minus strand). VCF-style: chr2-84433116-G-A. GRCh37 (hg19) VCF-style: chr2-84660240-G-A.
Identifiers: ClinVar variation 684111 (VCV000684111.2), dbSNP rs957786, ClinGen allele CA11119905.
Genomic context (GRCh38, chr2:84,433,116, plus strand): 5'-AAGGAACCATTTCTTCAGAGCAATCAAACCAAGTGATGTTTTCAGGCACCAAGGTGCTTC[G>A]GGAGCCACGTGTTCCAAGATGTTAGTTCTTCAACCTAGAAATGAAATCTTGGACCATGAA-3'

ClinVar aggregate classification (germline): Benign. Review status: criteria provided, multiple submitters, no conflicts (2 of 4 stars). 2 submissions from 2 submitters: Benign (2). Last evaluated 2018-06-14.

Allele frequency attached by ClinVar (database versions not stated): TOPMed 0.79195; 1000 Genomes Project 30x 0.79403; gnomAD 0.79908 and 0.80808; 1000 Genomes Project 0.80192; ESP Exome Variant Server 0.80267; gnomAD exomes 0.91990.
gnomAD v4.1: 502,928 of 565,734 alleles (89%); highest among the groups gnomAD compares: East Asian, 93%; 228,255 homozygotes.

Submissions (2):

GeneDx
Classification: Benign. Last evaluated: 2018-06-14. Review status: criteria provided, single submitter. Criteria: GeneDx Variant Classification (06012015). Collection method: clinical testing. Allele origin: germline. Affected: yes.
Comment: This variant is considered likely benign or benign based on one or more of the following criteria: it is a conservative change, it occurs at a poorly conserved position in the protein, it is predicted to be benign by multiple in silico algorithms, and/or has population frequency not consistent with disease.

Breakthrough Genomics
Classification: Benign. Review status: criteria provided, single submitter. Criteria: ACMG Guidelines, 2015. Collection method: not provided. Allele origin: germline. Inheritance: Autosomal recessive inheritance. Affected: yes.